The following is an entry in ClinVar:

NM_006506.5(RASA2):c.432C>A (p.Asp144Glu)

Gene: RASA2 (RAS p21 protein activator 2; plus strand). Cytogenetic location: 3q23.
Variant type: single nucleotide variant.
Coding change: c.432C>A on transcript NM_006506.5 (MANE Select); coding-DNA position 432, C replaced by A.
Protein change: p.Asp144Glu; replaces aspartic acid 144 with glutamic acid.
Molecular consequence: missense variant.
Genome position (GRCh38, 1-based): chr3:141,529,784, C>A. VCF-style: chr3-141529784-C-A. GRCh37 (hg19) VCF-style: chr3-141248626-C-A.
Other names: c.432C>A, p.Asp144Glu (NM_001303245.3, NM_001303246.3); short protein forms D144E.
Identifiers: ClinVar variation 2852141 (VCV002852141.3), dbSNP rs1158501631, ClinGen allele CA354772168.
Genomic context (GRCh38, chr3:141,529,784, plus strand): 5'-AAAAGAAGACTTGTGTAATCACAGTGGCAAAGAAACTTGGTTTTCATTACAGCCTGTTGA[C>A]TCCAATTCAGAGGTTCAGGTAAATATTAAGGCTTATGTAATACAAGAGATTGTCACAGGA-3'
Protein context (NP_006497.2, residues 134-154): KETWFSLQPV[Asp144Glu]SNSEVQGKVH

ClinVar aggregate classification (germline): Uncertain significance (1 of 4 stars; one submission).

Submission:

Labcorp Genetics (formerly Invitae), Labcorp
Classification: Uncertain significance. Last evaluated: 2023-04-05. Review status: criteria provided, single submitter. Criteria: Invitae Variant Classification Sherloc (09022015). Collection method: clinical testing. Allele origin: germline.
Comment: This sequence change replaces aspartic acid, which is acidic and polar, with glutamic acid, which is acidic and polar, at codon 144 of the RASA2 protein (p.Asp144Glu). This variant is not present in population databases (gnomAD no frequency). This variant has not been reported in the literature in individuals affected with RASA2-related conditions. Advanced modeling of protein sequence and biophysical properties (such as structural, functional, and spatial information, amino acid conservation, physicochemical variation, residue mobility, and thermodynamic stability) performed at Invitae indicates that this missense variant is not expected to disrupt RASA2 protein function. In summary, the available evidence is currently insufficient to determine the role of this variant in disease. Therefore, it has been classified as a Variant of Uncertain Significance.